The following is an entry in ClinVar:

NM_001384732.1(CPLANE1):c.5820+3A>C

Gene: CPLANE1 (ciliogenesis and planar polarity effector complex subunit 1; minus strand). Cytogenetic location: 5p13.2.
Variant type: single nucleotide variant.
Coding change: c.5820+3A>C on transcript NM_001384732.1 (MANE Select); 3 bases into the intron after coding-DNA position 5820, A replaced by C.
Molecular consequence: intron variant.
Genome position (GRCh38, 1-based): chr5:37,179,358, T>G on the plus strand (A>C on the coding strand, the complement: CPLANE1 is on the minus strand). VCF-style: chr5-37179358-T-G. GRCh37 (hg19) VCF-style: chr5-37179460-T-G.
Other names: c.5820+3A>C (NM_023073.4).
Identifiers: ClinVar variation 1305033 (VCV001305033.2), dbSNP rs2151089032, ClinGen allele CA2573052507.

ClinVar aggregate classification (germline): Uncertain significance (1 of 4 stars; one submission).

gnomAD v4.1: 2 of 1,580,542 alleles (0.00013%); highest among the groups gnomAD compares: Non-Finnish European, 0.000087%; no homozygotes.

Submission:

GeneDx
Classification: Uncertain significance. Last evaluated: 2019-04-12. Review status: criteria provided, single submitter. Criteria: GeneDx Variant Classification Process June 2021. Collection method: clinical testing. Allele origin: germline. Affected: yes.
Comment: Has not been previously published as pathogenic or benign to our knowledge; In silico analysis, which includes splice predictors and evolutionary conservation, supports a deleterious effect; Not observed in large population cohorts (Lek et al., 2016)